The following is an entry in ClinVar:

NM_004958.4(MTOR):c.6040G>A (p.Glu2014Lys)

Gene: MTOR (mechanistic target of rapamycin kinase; minus strand). Cytogenetic location: 1p36.22.
Variant type: single nucleotide variant.
Coding change: c.6040G>A on transcript NM_004958.4 (MANE Select); coding-DNA position 6040, G replaced by A.
Protein change: p.Glu2014Lys; replaces glutamic acid 2014 with lysine.
Molecular consequence: missense variant.
Genome position (GRCh38, 1-based): chr1:11,127,800, C>T on the plus strand (G>A on the coding strand, the complement: MTOR is on the minus strand). VCF-style: chr1-11127800-C-T. GRCh37 (hg19) VCF-style: chr1-11187857-C-T.
Other names: short protein forms E2014K.
Identifiers: ClinVar variation 376131 (VCV000376131.4), dbSNP rs1057519780, ClinGen allele CA16602589.

ClinVar aggregate classification (germline): Uncertain significance (1 of 4 stars; one submission).

gnomAD v4.1: 1 of 1,611,944 alleles (0.000062%); highest among the groups gnomAD compares: Non-Finnish European, 0.000085%; no homozygotes.

Submission:

Labcorp Genetics (formerly Invitae), Labcorp
Classification: Uncertain significance. Last evaluated: 2024-06-24. Review status: criteria provided, single submitter. Criteria: Invitae Variant Classification Sherloc (09022015). Collection method: clinical testing. Allele origin: germline.
Comment: This sequence change replaces glutamic acid, which is acidic and polar, with lysine, which is basic and polar, at codon 2014 of the MTOR protein (p.Glu2014Lys). This variant is not present in population databases (gnomAD no frequency). This variant has not been reported in the literature in individuals affected with MTOR-related conditions. ClinVar contains an entry for this variant (Variation ID: 376131). Advanced modeling of protein sequence and biophysical properties (such as structural, functional, and spatial information, amino acid conservation, physicochemical variation, residue mobility, and thermodynamic stability) performed at Invitae indicates that this missense variant is not expected to disrupt MTOR protein function with a negative predictive value of 95%. In summary, the available evidence is currently insufficient to determine the role of this variant in disease. Therefore, it has been classified as a Variant of Uncertain Significance.